The following is an entry in ClinVar:

NM_004629.2(FANCG):c.1545C>T (p.Ala515=)

Gene: FANCG (FA complementation group G; minus strand). Cytogenetic location: 9p13.3.
Variant type: single nucleotide variant.
Coding change: c.1545C>T on transcript NM_004629.2 (MANE Select); coding-DNA position 1545, C replaced by T.
Protein change: p.Ala515=; no amino-acid change (alanine 515 retained).
Molecular consequence: synonymous variant.
Genome position (GRCh38, 1-based): chr9:35,075,018, G>A on the plus strand (C>T on the coding strand, the complement: FANCG is on the minus strand). VCF-style: chr9-35075018-G-A. GRCh37 (hg19) VCF-style: chr9-35075015-G-A.
Identifiers: ClinVar variation 239964 (VCV000239964.45), dbSNP rs201422773, ClinGen allele CA5039701.

ClinVar aggregate classification (germline): Conflicting classifications of pathogenicity. Review status: criteria provided, conflicting classifications (1 of 4 stars). 8 submissions from 8 submitters: Uncertain significance (1); Likely benign (6). 1 of the submissions does not count toward it. Last evaluated 2026-01-09.

Conditions:
Inborn genetic diseases. Identifiers: MedGen C0950123, MeSH D030342.
Fanconi anemia complementation group G. Also called: FANCG-Related Fanconi Anemia; Fanconi anemia group G. Identifiers: Orphanet 84, MedGen C3469527, MONDO:0013565, OMIM 614082.
Fanconi anemia (FA). Also called: Fanconi's anemia. Identifiers: Orphanet 84, MedGen C0015625, MeSH D005199, MONDO:0019391.

Allele frequency attached by ClinVar (database versions not stated): gnomAD exomes 0.00015 and 0.00037; 1000 Genomes Project 30x 0.00016; 1000 Genomes Project 0.00020; TOPMed 0.00023; gnomAD 0.00027 and 0.00028; ESP Exome Variant Server 0.00031; ExAC 0.00032.
gnomAD v4.1: 276 of 1,614,192 alleles (0.017%); highest among the groups gnomAD compares: East Asian, 0.14%; no homozygotes.

Submissions (8):

Labcorp Genetics (formerly Invitae), Labcorp
Classification: Likely benign for Fanconi anemia. Last evaluated: 2026-01-09. Review status: criteria provided, single submitter. Criteria: Invitae Variant Classification Sherloc (09022015). Collection method: clinical testing. Allele origin: germline.

Blueprint Genetics
Classification: Likely benign. Last evaluated: 2024-11-26. Review status: criteria provided, single submitter. Criteria: ACMG Guidelines, 2015. Collection method: clinical testing. Allele origin: germline.

Ambry Genetics
Classification: Likely benign for Inborn genetic diseases. Last evaluated: 2024-10-15. Review status: criteria provided, single submitter. Criteria: Ambry Variant Classification Scheme 2023. Collection method: clinical testing. Allele origin: germline.

KCCC/NGS Laboratory, Kuwait Cancer Control Center
Classification: Likely benign for Fanconi anemia complementation group G. Last evaluated: 2023-07-07. Review status: criteria provided, single submitter. Criteria: ACMG Guidelines, 2015. Collection method: clinical testing. Allele origin: germline. Affected: yes.

CeGaT Center for Human Genetics Tuebingen
Classification: Likely benign. Last evaluated: 2022-07-01. Review status: criteria provided, single submitter. Criteria: CeGaT Center For Human Genetics Tuebingen Variant Classification Criteria Version 2. Collection method: clinical testing. Allele origin: germline. Affected: yes. Observed: 1 variant allele.
Comment: FANCG: BP4, BP7

Sema4
Classification: Likely benign for Fanconi anemia. Last evaluated: 2020-12-16. Review status: criteria provided, single submitter. Criteria: Sema4 Curation Guidelines. Collection method: curation. Allele origin: germline.

Illumina Laboratory Services, Illumina
Classification: Uncertain significance for Fanconi anemia complementation group G. Last evaluated: 2018-01-13. Review status: criteria provided, single submitter. Criteria: ICSL Variant Classification Criteria 13 December 2019. Collection method: clinical testing. Allele origin: germline.

Natera, Inc.
Classification: Likely benign for Fanconi anemia group G. Last evaluated: 2020-09-16. Review status: no assertion criteria provided. Collection method: clinical testing. Allele origin: germline. Not counted in ClinVar's aggregate classification.